The following is an entry in ClinVar:

NC_000015.9:g.(?_77287915)_(77287970_?)dup

Gene: PSTPIP1 (proline-serine-threonine phosphatase interacting protein 1; plus strand). Cytogenetic location: 15q24.3.
Variant type: Duplication.
Identifiers: ClinVar variation 1482692 (VCV001482692.4).

ClinVar aggregate classification (germline): Uncertain significance (1 of 4 stars; one submission).

Conditions:
Pyogenic arthritis-pyoderma gangrenosum-acne syndrome (PAPA). Also called: PAPA SYNDROME; FAMILIAL RECURRENT ARTHRITIS. Identifiers: Orphanet 69126, MedGen C1858361, MONDO:0011462, OMIM 604416.

Submission:

Labcorp Genetics (formerly Invitae), Labcorp
Classification: Uncertain significance for Pyogenic arthritis-pyoderma gangrenosum-acne syndrome. Last evaluated: 2024-01-06. Review status: criteria provided, single submitter. Criteria: Invitae Variant Classification Sherloc (09022015). Collection method: clinical testing. Allele origin: germline.
Comment: This variant results in a copy number gain of the genomic region encompassing exon(s) 1 of the PSTPIP1 gene. This region includes the initiator codon of the gene. This copy number gain extends beyond the assayed region for this gene and therefore may encompass additional genes. As the precise location of this event is unknown, it may be in tandem or it may be located elsewhere in the genome. This variant has not been reported in the literature in individuals affected with PSTPIP1-related conditions. Experimental studies and prediction algorithms are not available or were not evaluated, and the functional significance of this variant is currently unknown. In summary, the available evidence is currently insufficient to determine the role of this variant in disease. Therefore, it has been classified as a Variant of Uncertain Significance.